The following is an entry in ClinVar:

NM_001754.5(RUNX1):c.*1078A>G

Gene: RUNX1 (RUNX family transcription factor 1; minus strand). Cytogenetic location: 21q22.12.
Variant type: single nucleotide variant.
Coding change: c.*1078A>G on transcript NM_001754.5 (MANE Select); 1078 bases downstream of the stop codon, A replaced by G.
Molecular consequence: 3 prime UTR variant.
Genome position (GRCh38, 1-based): chr21:34,791,057, T>C on the plus strand (A>G on the coding strand, the complement: RUNX1 is on the minus strand). VCF-style: chr21-34791057-T-C. GRCh37 (hg19) VCF-style: chr21-36163354-T-C.
Other names: c.*1078A>G (NM_001001890.3).
Identifiers: ClinVar variation 895826 (VCV000895826.5), dbSNP rs983432717, ClinGen allele CA320250463.

ClinVar aggregate classification (germline): Uncertain significance. Review status: reviewed by expert panel (3 of 4 stars). 2 submissions from 2 submitters: Uncertain significance (1). 1 of the submissions does not count toward it. Last evaluated 2024-11-13.

Conditions:
Hereditary thrombocytopenia and hematologic cancer predisposition syndrome. Identifiers: Orphanet 71290, MedGen CN281654, MONDO:0011071.
Hereditary thrombocytopenia and hematological cancer predisposition syndrome associated with RUNX1. Also called: PLATELET DISORDER, ASPIRIN-LIKE; RUNX1 Familial Platelet Disorder with Associated Myeloid Malignancies; Familial Platelet Disorder with Propensity to Acute Myelogenous Leukemia; Familial thrombocytopenia with propensity to acute myelogenous leukemia. Identifiers: Orphanet 71290, MedGen C1832388, MeSH C563324, MONDO:0100083, OMIM 601399.

Allele frequency attached by ClinVar (database versions not stated): TOPMed 0.00003; gnomAD 0.00005; gnomAD exomes 0.00009.
gnomAD v4.1: 17 of 233,584 alleles (0.0073%); highest among the groups gnomAD compares: Non-Finnish European, 0.0017%; no homozygotes.

Submissions (2):

ClinGen Myeloid Malignancy Variant Curation Expert Panel
Classification: Uncertain significance for Hereditary thrombocytopenia and hematologic cancer predisposition syndrome. Last evaluated: 2024-11-13. Review status: reviewed by expert panel. Criteria: ClinGen MyeloMalig ACMG Specifications v2. Collection method: curation. Allele origin: germline. Inheritance: Autosomal dominant inheritance.
Comment: NM_001754.5(RUNX1):c.*1078A>G is a 3' UTR variant which does not meet any ACMG/AMP criteria. In summary, the clinical significance of this variant is uncertain. ACMG/AMP criteria applied, as specified by the Myeloid Malignancy Variant Curation Expert Panel for RUNX1: None.

Illumina Laboratory Services, Illumina
Classification: Uncertain significance for Hereditary thrombocytopenia and hematological cancer predisposition syndrome associated with RUNX1. Last evaluated: 2018-01-13. Review status: criteria provided, single submitter. Criteria: ICSL Variant Classification Criteria 13 December 2019. Collection method: clinical testing. Allele origin: germline. Not counted in ClinVar's aggregate classification.